The following is an entry in ClinVar:

NM_025150.5(TARS2):c.979C>T (p.Arg327Ter)

Gene: TARS2 (threonyl-tRNA synthetase 2, mitochondrial; plus strand). Cytogenetic location: 1q21.2.
Variant type: single nucleotide variant.
Coding change: c.979C>T on transcript NM_025150.5 (MANE Select); coding-DNA position 979, C replaced by T.
Protein change: p.Arg327Ter; replaces arginine 327 with a stop codon.
Molecular consequence: nonsense. On other transcripts: non-coding transcript variant (1), intron variant (2).
Genome position (GRCh38, 1-based): chr1:150,496,867, C>T. VCF-style: chr1-150496867-C-T. GRCh37 (hg19) VCF-style: chr1-150469343-C-T.
Other names: c.775-663C>T (NM_001271895.2); c.631-663C>T (NM_001271896.2); short protein forms R327*.
Identifiers: ClinVar variation 1494419 (VCV001494419.6), dbSNP rs1199659882, ClinGen allele CA342324917.
Genomic context (GRCh38, chr1:150,496,867, plus strand): 5'-CAGGAACAGGAGCTCTTCTTCTTCCATGAACTGAGCCCTGGGAGCTGCTTCTTCCTGCCA[C>T]GAGGGACAAGGGTGTATAATGCACTAGTGGCGTTTATCAGGGTAAGGGGACCCAGGTCTA-3'

ClinVar aggregate classification (germline): Uncertain significance (1 of 4 stars; one submission).

Allele frequency attached by ClinVar (database versions not stated): gnomAD exomes below 0.00001; TOPMed below 0.00001.
gnomAD v4.1: 8 of 1,613,968 alleles (0.0005%); highest among the groups gnomAD compares: Admixed American, 0.0017%; no homozygotes.

Submission:

Labcorp Genetics (formerly Invitae), Labcorp
Classification: Uncertain significance. Last evaluated: 2022-07-19. Review status: criteria provided, single submitter. Criteria: Invitae Variant Classification Sherloc (09022015). Collection method: clinical testing. Allele origin: germline.
Comment: This variant has not been reported in the literature in individuals affected with TARS2-related conditions. In summary, the available evidence is currently insufficient to determine the role of this variant in disease. Therefore, it has been classified as a Variant of Uncertain Significance. Algorithms developed to predict the effect of sequence changes on RNA splicing suggest that this variant may disrupt the consensus splice site. ClinVar contains an entry for this variant (Variation ID: 1494419). This variant is present in population databases (no rsID available, gnomAD 0.0009%). This sequence change creates a premature translational stop signal (p.Arg327*) in the TARS2 gene. It is expected to result in an absent or disrupted protein product. However, the current clinical and genetic evidence is not sufficient to establish whether loss-of-function variants in TARS2 cause disease.